The following is an entry in ClinVar:

NM_006623.4(PHGDH):c.2T>C (p.Met1Thr)

Gene: PHGDH (phosphoglycerate dehydrogenase; plus strand). Cytogenetic location: 1p12.
Variant type: single nucleotide variant.
Coding change: c.2T>C on transcript NM_006623.4 (MANE Select); coding-DNA position 2, T replaced by C.
Protein change: p.Met1Thr; changes the start codon (methionine 1).
Molecular consequence: missense variant, initiator codon variant.
Genome position (GRCh38, 1-based): chr1:119,712,024, T>C. VCF-style: chr1-119712024-T-C. GRCh37 (hg19) VCF-style: chr1-120254647-T-C.
Other names: short protein forms M1T.
Identifiers: ClinVar variation 1331415 (VCV001331415.10), dbSNP rs951372478, ClinGen allele CA30240451.

ClinVar aggregate classification (germline): Pathogenic/Likely pathogenic. Review status: criteria provided, multiple submitters, no conflicts (2 of 4 stars). 4 submissions from 3 submitters: Pathogenic (1); Likely pathogenic (3). Last evaluated 2025-12-30.

Conditions:
PHGDH deficiency. Identifiers: Orphanet 79351, MedGen C1866174, MONDO:0011152, OMIM 601815.
Neu-Laxova syndrome 1 (NLS1). Identifiers: Orphanet 2671, Orphanet 583607, MedGen C4551478, MONDO:0009736, OMIM 256520. Disease mechanism: loss of function.

Allele frequency attached by ClinVar (database versions not stated): TOPMed below 0.00001.

Submissions (4):

Labcorp Genetics (formerly Invitae), Labcorp
Classification: Pathogenic for PHGDH deficiency. Last evaluated: 2025-12-30. Review status: criteria provided, single submitter. Criteria: Invitae Variant Classification Sherloc (09022015). Collection method: clinical testing. Allele origin: germline.
Comment: This sequence change affects the initiator codon of the PHGDH mRNA. This change may impact translation initiation or efficiency. The next in-frame methionine is located at codon 96. This variant is not present in population databases (gnomAD no frequency). Disruption of the initiator codon has been observed in individual(s) with Neu-Laxova syndrome (PMID: 30838783). It has also been observed to segregate with disease in related individuals. ClinVar contains an entry for this variant (Variation ID: 1331415). For these reasons, this variant has been classified as Pathogenic.

Genome-Nilou Lab
Classification: Likely pathogenic for Neu-Laxova syndrome 1. Last evaluated: 2023-04-11. Review status: criteria provided, single submitter. Criteria: ACMG Guidelines, 2015. Collection method: clinical testing. Allele origin: germline. Affected: no.

Genome-Nilou Lab
Classification: Likely pathogenic for PHGDH deficiency. Last evaluated: 2023-04-11. Review status: criteria provided, single submitter. Criteria: ACMG Guidelines, 2015. Collection method: clinical testing. Allele origin: germline. Affected: no.

Women's Health and Genetics/Laboratory Corporation of America, LabCorp
Classification: Likely pathogenic for PHGDH deficiency. Last evaluated: 2021-12-15. Review status: criteria provided, single submitter. Criteria: LabCorp Variant Classification Summary - May 2015. Collection method: clinical testing. Allele origin: germline.
Comment: Variant summary: PHGDH c.2T>C (p.Met1?) alters the initiation codon and is predicted to result either in absence of the protein or truncation of the encoded protein due to translation initiation at a downstream codon. The next alternative downstream in-frame start codon (Met 96) is located at the end of exon 2. Therefore, a severe outcome is predicted. Three of three in-silico tools predict a damaging effect of the variant on protein function. The variant was absent in 251114 control chromosomes. To our knowledge, no occurrence of c.2T>C in individuals affected with Phosphoglycerate Dehydrogenase Deficiency and no experimental evidence demonstrating its impact on protein function have been reported. However, the HGMD database lists at-least one other variant resulting in the same translational impact, namely c.1A>C (p.M1?) that has been associated with a phenotype of Neu-Laxova syndrome, an allelic autosomal recessive disorder with a more severe phenotype that usually results in neonatal death. No clinical diagnostic laboratories have submitted clinical-significance assessments for this variant to ClinVar after 2014. Based on the evidence outlined above, the variant was classified as likely pathogenic.

Literature cited by the submitters: PubMed 30838783 (cited by Labcorp Genetics (formerly Invitae), Labcorp).